The following is an entry in ClinVar:

ClinVar aggregate classification (germline): Uncertain significance (1 of 4 stars; one submission).

Conditions:
Malignant hyperthermia, susceptibility to, 5 (MHS5). Also called: CACNA1S-Related Malignant Hyperthermia Susceptibility. Identifiers: Orphanet 423, MedGen C1866077, MONDO:0011163, OMIM 601887.

Submission:

Color Diagnostics, LLC DBA Color Health
Classification: Uncertain significance for Malignant hyperthermia, susceptibility to, 5. Last evaluated: 2025-10-02. Review status: criteria provided, single submitter. Criteria: ACMG Guidelines, 2015. Collection method: clinical testing. Allele origin: germline.
Comment: This variant causes a G>A nucleotide substitution at the +1 position of intron 1 of the CACNA1S gene. To our knowledge, RNA studies have not been reported for this variant. This variant has not been reported in individuals affected with CACNA1S-related disorders in the literature. This variant has not been identified in the general population by the Genome Aggregation Database (gnomAD). The available evidence is insufficient to determine the role of this variant in disease conclusively. Therefore, this variant is classified as a Variant of Uncertain Significance.

NM_000069.3(CACNA1S):c.152+1G>A

Gene: CACNA1S (calcium voltage-gated channel subunit alpha1 S; minus strand). Cytogenetic location: 1q32.1.
Variant type: single nucleotide variant.
Coding change: c.152+1G>A on transcript NM_000069.3 (MANE Select); the canonical splice donor site of the intron after coding-DNA position 152, G replaced by A.
Molecular consequence: splice donor variant.
Genome position (GRCh38, 1-based): chr1:201,112,187, C>T on the plus strand (G>A on the coding strand, the complement: CACNA1S is on the minus strand). VCF-style: chr1-201112187-C-T. GRCh37 (hg19) VCF-style: chr1-201081315-C-T.
Identifiers: ClinVar variation 4758106 (VCV004758106.1).
Genomic context (GRCh38, chr1:201,112,187, plus strand): 5'-CACCCCGAATCCCTCCCTCATGACGCACACCCCCCCCCACGGCCCGGGCCCTGAAGGATA[C>T]TTCCATTCTACAATGCTGATGCAGGCCTTCCTCAGGGGGTTCTCCAGGGTCAGGCAGAAC-3'